The following is an entry in ClinVar:

NM_001130438.3(SPTAN1):c.3415-155C>T

Gene: SPTAN1 (spectrin alpha, non-erythrocytic 1; plus strand). Cytogenetic location: 9q34.11.
Variant type: single nucleotide variant.
Coding change: c.3415-155C>T on transcript NM_001130438.3 (MANE Select); 155 bases into the intron before coding-DNA position 3415, C replaced by T.
Molecular consequence: intron variant.
Genome position (GRCh38, 1-based): chr9:128,598,245, C>T. VCF-style: chr9-128598245-C-T. GRCh37 (hg19) VCF-style: chr9-131360524-C-T.
Other names: c.3415-155C>T (NM_001363759.2, NM_003127.4); c.3355-155C>T (NM_001363765.2, NM_001195532.2).
Identifiers: ClinVar variation 672846 (VCV000672846.1), dbSNP rs118026701, ClinGen allele CA200392178.

ClinVar aggregate classification (germline): Benign (1 of 4 stars; one submission).

Allele frequency attached by ClinVar (database versions not stated): 1000 Genomes Project 30x 0.01390; 1000 Genomes Project 0.01558; TOPMed 0.02400.
gnomAD v4.1: 4,669 of 152,130 alleles (3.1%); highest among the groups gnomAD compares: Non-Finnish European, 3.8%; 145 homozygotes.

Submission:

GeneDx
Classification: Benign. Last evaluated: 2018-06-14. Review status: criteria provided, single submitter. Criteria: GeneDx Variant Classification (06012015). Collection method: clinical testing. Allele origin: germline. Affected: yes.
Comment: This variant is considered likely benign or benign based on one or more of the following criteria: it is a conservative change, it occurs at a poorly conserved position in the protein, it is predicted to be benign by multiple in silico algorithms, and/or has population frequency not consistent with disease.